The following is an entry in ClinVar:

NM_014806.5(RUSC2):c.3092A>G (p.Asn1031Ser)

Gene: RUSC2 (RUN and SH3 domain containing 2; plus strand). Cytogenetic location: 9p13.3.
Variant type: single nucleotide variant.
Coding change: c.3092A>G on transcript NM_014806.5 (MANE Select); coding-DNA position 3092, A replaced by G.
Protein change: p.Asn1031Ser; replaces asparagine 1031 with serine.
Molecular consequence: missense variant. On other transcripts: non-coding transcript variant (1).
Genome position (GRCh38, 1-based): chr9:35,558,228, A>G. VCF-style: chr9-35558228-A-G. GRCh37 (hg19) VCF-style: chr9-35558225-A-G.
Other names: c.3092A>G, p.Asn1031Ser (NM_001135999.2); c.458A>G, p.Asn153Ser (NM_001330740.2); short protein forms N1031S, N153S.
Identifiers: ClinVar variation 2159470 (VCV002159470.2), dbSNP rs779727845, ClinGen allele CA192756718.

ClinVar aggregate classification (germline): Uncertain significance (1 of 4 stars; one submission).

Allele frequency attached by ClinVar (database versions not stated): gnomAD exomes 0.00001; TOPMed 0.00002.
gnomAD v4.1: 14 of 1,613,878 alleles (0.00087%); highest among the groups gnomAD compares: Admixed American, 0.0017%; no homozygotes.

Submission:

Labcorp Genetics (formerly Invitae), Labcorp
Classification: Uncertain significance. Last evaluated: 2022-01-15. Review status: criteria provided, single submitter. Criteria: Invitae Variant Classification Sherloc (09022015). Collection method: clinical testing. Allele origin: germline.
Comment: This sequence change replaces asparagine, which is neutral and polar, with serine, which is neutral and polar, at codon 1031 of the RUSC2 protein (p.Asn1031Ser). This variant is present in population databases (rs779727845, gnomAD 0.006%). In summary, the available evidence is currently insufficient to determine the role of this variant in disease. Therefore, it has been classified as a Variant of Uncertain Significance. Algorithms developed to predict the effect of missense changes on protein structure and function (SIFT, PolyPhen-2, Align-GVGD) all suggest that this variant is likely to be disruptive. This variant has not been reported in the literature in individuals affected with RUSC2-related conditions.